The following is an entry in ClinVar:

NM_001003800.2(BICD2):c.2179A>T (p.Met727Leu)

Gene: BICD2 (BICD cargo adaptor 2; minus strand). Cytogenetic location: 9q22.31.
Variant type: single nucleotide variant.
Coding change: c.2179A>T on transcript NM_001003800.2 (MANE Select); coding-DNA position 2179, A replaced by T.
Protein change: p.Met727Leu; replaces methionine 727 with leucine.
Molecular consequence: missense variant.
Genome position (GRCh38, 1-based): chr9:92,717,876, T>A on the plus strand (A>T on the coding strand, the complement: BICD2 is on the minus strand). VCF-style: chr9-92717876-T-A. GRCh37 (hg19) VCF-style: chr9-95480158-T-A.
Other names: c.2179A>T, p.Met727Leu (NM_015250.4); short protein forms M727L.
Identifiers: ClinVar variation 1787222 (VCV001787222.5), dbSNP rs1256207191, ClinGen allele CA374032668.
Genomic context (GRCh38, chr9:92,717,876, plus strand): 5'-GCAGCGAGGAGAAGGTGGCTGCGTCCTCCTTGAGGGCCTTGAGCTCATTGCGCAGCTTCA[T>A]CATGGTCTCGGTAACCATGGCCTTCTCATTCTCATACTTGCTCTTCAGGTTGGCAAGGGC-3'
Protein context (NP_001003800.1, residues 717-737): NEKAMVTETM[Met727Leu]KLRNELKALK

ClinVar aggregate classification (germline): Uncertain significance. Review status: criteria provided, multiple submitters, no conflicts (2 of 4 stars). 2 submissions from 2 submitters: Uncertain significance (2). Last evaluated 2025-08-29.

Conditions:
Inborn genetic diseases. Identifiers: MedGen C0950123, MeSH D030342.
Autosomal dominant childhood-onset proximal spinal muscular atrophy with contractures (SMALED2A). Also called: Spinal muscular atrophy, lower extremity-predominant, 2A, autosomal dominant; SPINAL MUSCULAR ATROPHY, LOWER EXTREMITY-PREDOMINANT, 2A, CHILDHOOD ONSET, AUTOSOMAL DOMINANT. Identifiers: Orphanet 363447, Orphanet 363454, MedGen C4747715, MONDO:0014121, OMIM 615290.

gnomAD v4.1: 13 of 1,613,252 alleles (0.00081%); highest among the groups gnomAD compares: Non-Finnish European, 0.0011%; no homozygotes.

Submissions (2):

Ambry Genetics
Classification: Uncertain significance for Inborn genetic diseases. Last evaluated: 2025-08-29. Review status: criteria provided, single submitter. Criteria: Ambry Variant Classification Scheme 2023. Collection method: clinical testing. Allele origin: germline.

Labcorp Genetics (formerly Invitae), Labcorp
Classification: Uncertain significance for Autosomal dominant childhood-onset proximal spinal muscular atrophy with contractures. Last evaluated: 2025-07-02. Review status: criteria provided, single submitter. Criteria: Invitae Variant Classification Sherloc (09022015). Collection method: clinical testing. Allele origin: germline.
Comment: This sequence change replaces methionine, which is neutral and non-polar, with leucine, which is neutral and non-polar, at codon 727 of the BICD2 protein (p.Met727Leu). This variant is not present in population databases (gnomAD no frequency). This variant has not been reported in the literature in individuals affected with BICD2-related conditions. ClinVar contains an entry for this variant (Variation ID: 1787222). Invitae Evidence Modeling of protein sequence and biophysical properties (such as structural, functional, and spatial information, amino acid conservation, physicochemical variation, residue mobility, and thermodynamic stability) indicates that this missense variant is not expected to disrupt BICD2 protein function with a negative predictive value of 80%. In summary, the available evidence is currently insufficient to determine the role of this variant in disease. Therefore, it has been classified as a Variant of Uncertain Significance.